The following is an entry in ClinVar:

ClinVar aggregate classification (germline): Uncertain significance (1 of 4 stars; one submission).

Allele frequency attached by ClinVar (database versions not stated): ExAC 0.00002; gnomAD exomes 0.00003; ESP Exome Variant Server 0.00008.

Submission:

Labcorp Genetics (formerly Invitae), Labcorp
Classification: Uncertain significance. Last evaluated: 2021-09-23. Review status: criteria provided, single submitter. Criteria: Invitae Variant Classification Sherloc (09022015). Collection method: clinical testing. Allele origin: germline.
Comment: This sequence change replaces proline with leucine at codon 160 of the FDX2 protein (p.Pro160Leu). The proline residue is moderately conserved and there is a moderate physicochemical difference between proline and leucine. This variant is present in population databases (rs370918608, ExAC 0.01%). This variant has not been reported in the literature in individuals affected with FDX2-related conditions. Algorithms developed to predict the effect of missense changes on protein structure and function are either unavailable or do not agree on the potential impact of this missense change (SIFT: "Tolerated"; PolyPhen-2: "Not Available"; Align-GVGD: "Class C0"). In summary, the available evidence is currently insufficient to determine the role of this variant in disease. Therefore, it has been classified as a Variant of Uncertain Significance.

NM_001397406.1(FDX2):c.470C>T (p.Pro157Leu)

Genes: FDX2 (ferredoxin 2; minus strand), FDX2-ZGLP1 (FDX2-ZGLP1 readthrough; minus strand). Cytogenetic location: 19p13.2.
Variant type: single nucleotide variant.
Coding change: c.470C>T on transcript NM_001397406.1 (MANE Select); coding-DNA position 470, C replaced by T.
Protein change: p.Pro157Leu; replaces proline 157 with leucine.
Molecular consequence: missense variant.
Genome position (GRCh38, 1-based): chr19:10,310,568, G>A on the plus strand (C>T on the coding strand, the complement: FDX2 is on the minus strand). VCF-style: chr19-10310568-G-A. GRCh37 (hg19) VCF-style: chr19-10421244-G-A.
Other names: short protein forms P157L.
Identifiers: ClinVar variation 1349037 (VCV001349037.3), dbSNP rs370918608, ClinGen allele CA9191184.